The following is an entry in ClinVar:

ClinVar aggregate classification (germline): Benign/Likely benign. Review status: criteria provided, multiple submitters, no conflicts (2 of 4 stars). 4 submissions from 4 submitters: Benign (3); Likely benign (1). Last evaluated 2026-01-26.

Allele frequency attached by ClinVar (database versions not stated): gnomAD 0.00031 and 0.00078; TOPMed 0.00034; ESP Exome Variant Server 0.00041; gnomAD exomes 0.00113 and 0.00194; ExAC 0.00238; 1000 Genomes Project 0.00399; 1000 Genomes Project 30x 0.00468.
gnomAD v4.1: 1,770 of 1,613,926 alleles (0.11%); highest among the groups gnomAD compares: South Asian, 1.3%; 24 homozygotes.

Submissions (4):

Labcorp Genetics (formerly Invitae), Labcorp
Classification: Benign. Last evaluated: 2026-01-26. Review status: criteria provided, single submitter. Criteria: Invitae Variant Classification Sherloc (09022015). Collection method: clinical testing. Allele origin: germline.

Blueprint Genetics
Classification: Likely benign. Last evaluated: 2024-11-19. Review status: criteria provided, single submitter. Criteria: ACMG Guidelines, 2015. Collection method: clinical testing. Allele origin: germline.

CeGaT Center for Human Genetics Tuebingen
Classification: Benign. Last evaluated: 2022-11-01. Review status: criteria provided, single submitter. Criteria: CeGaT Center For Human Genetics Tuebingen Variant Classification Criteria Version 2. Collection method: clinical testing. Allele origin: germline. Affected: yes. Observed: 1 variant allele.
Comment: MYO18B: BS1, BS2

Breakthrough Genomics
Classification: Benign. Review status: criteria provided, single submitter. Criteria: ACMG Guidelines, 2015. Collection method: not provided. Allele origin: germline. Inheritance: Autosomal recessive inheritance. Affected: yes.

NM_032608.7(MYO18B):c.7639G>C (p.Glu2547Gln)

Gene: MYO18B (myosin XVIIIB; plus strand). Cytogenetic location: 22q12.1.
Variant type: single nucleotide variant.
Coding change: c.7639G>C on transcript NM_032608.7 (MANE Select); coding-DNA position 7639, G replaced by C.
Protein change: p.Glu2547Gln; replaces glutamic acid 2547 with glutamine.
Molecular consequence: missense variant.
Genome position (GRCh38, 1-based): chr22:26,027,613, G>C. VCF-style: chr22-26027613-G-C. GRCh37 (hg19) VCF-style: chr22-26423579-G-C.
Other names: c.7642G>C, p.Glu2548Gln (NM_001318245.2); short protein forms E2547Q, E2548Q.
Identifiers: ClinVar variation 736143 (VCV000736143.35), dbSNP rs117042106, ClinGen allele CA10161835.